The following is an entry in ClinVar:

ClinVar aggregate classification (germline): Uncertain significance (1 of 4 stars; one submission).

Allele frequency attached by ClinVar (database versions not stated): gnomAD exomes below 0.00001.
gnomAD v4.1: 2 of 1,612,238 alleles (0.00012%); highest among the groups gnomAD compares: South Asian, 0.0022%; no homozygotes.

Submission:

Labcorp Genetics (formerly Invitae), Labcorp
Classification: Uncertain significance. Last evaluated: 2022-08-27. Review status: criteria provided, single submitter. Criteria: Invitae Variant Classification Sherloc (09022015). Collection method: clinical testing. Allele origin: germline.
Comment: In summary, the available evidence is currently insufficient to determine the role of this variant in disease. Therefore, it has been classified as a Variant of Uncertain Significance. Algorithms developed to predict the effect of sequence changes on RNA splicing suggest that this variant is not likely to affect RNA splicing. This variant has not been reported in the literature in individuals affected with KLHL7-related conditions. This variant is not present in population databases (gnomAD no frequency). This sequence change affects codon 460 of the KLHL7 mRNA. It is a 'silent' change, meaning that it does not change the encoded amino acid sequence of the KLHL7 protein. It affects a nucleotide within the consensus splice site.

NM_001031710.3(KLHL7):c.1380A>G (p.Thr460=)

Gene: KLHL7 (kelch like family member 7; plus strand). Cytogenetic location: 7p15.3.
Variant type: single nucleotide variant.
Coding change: c.1380A>G on transcript NM_001031710.3 (MANE Select); coding-DNA position 1380, A replaced by G.
Protein change: p.Thr460=; no amino-acid change (threonine 460 retained).
Molecular consequence: synonymous variant. On other transcripts: non-coding transcript variant (1).
Genome position (GRCh38, 1-based): chr7:23,172,948, A>G. VCF-style: chr7-23172948-A-G. GRCh37 (hg19) VCF-style: chr7-23212567-A-G.
Other names: c.1236A>G, p.Thr412= (NM_018846.5).
Identifiers: ClinVar variation 2027479 (VCV002027479.4), dbSNP rs2534940592, ClinGen allele CA453997132.
Genomic context (GRCh38, chr7:23,172,948, plus strand): 5'-ATTAGTATGAGTTCTTTTACTTCCTGTAAACAAGCACACTAAAAACTTTAATTTTTTCAG[A>G]TGGACTGAGCTGTGTCCAATGATTGAAGCCAGGAAGAATCATGGGCTGGTATTTGTAAAA-3'
Protein context (NP_001026880.2, residues 450-470): SCEVYDPATE[Thr460=]WTELCPMIEA